The following is an entry in ClinVar:

NM_003200.5(TCF3):c.1261G>A (p.Gly421Ser)

Gene: TCF3 (transcription factor 3; minus strand). Cytogenetic location: 19p13.3.
Variant type: single nucleotide variant.
Coding change: c.1261G>A on transcript NM_003200.5 (MANE Select); coding-DNA position 1261, G replaced by A.
Protein change: p.Gly421Ser; replaces glycine 421 with serine.
Molecular consequence: missense variant.
Genome position (GRCh38, 1-based): chr19:1,619,381, C>T on the plus strand (G>A on the coding strand, the complement: TCF3 is on the minus strand). VCF-style: chr19-1619381-C-T. GRCh37 (hg19) VCF-style: chr19-1619380-C-T.
Other names: c.1261G>A, p.Gly421Ser (NM_001136139.4, NM_001351779.2); c.1258G>A, p.Gly420Ser (NM_001351778.2); short protein forms G420S, G421S.
Identifiers: ClinVar variation 2068678 (VCV002068678.4), dbSNP rs2513488547, ClinGen allele CA403053154.

ClinVar aggregate classification (germline): Uncertain significance (1 of 4 stars; one submission).

Allele frequency attached by ClinVar (database versions not stated): gnomAD exomes below 0.00001.

Submission:

Labcorp Genetics (formerly Invitae), Labcorp
Classification: Uncertain significance. Last evaluated: 2022-01-01. Review status: criteria provided, single submitter. Criteria: Invitae Variant Classification Sherloc (09022015). Collection method: clinical testing. Allele origin: germline.
Comment: In summary, the available evidence is currently insufficient to determine the role of this variant in disease. Therefore, it has been classified as a Variant of Uncertain Significance. Algorithms developed to predict the effect of missense changes on protein structure and function output the following: SIFT: "Not Available"; PolyPhen-2: "Benign"; Align-GVGD: "Not Available". The serine amino acid residue is found in multiple mammalian species, which suggests that this missense change does not adversely affect protein function. This variant has not been reported in the literature in individuals affected with TCF3-related conditions. This variant is not present in population databases (gnomAD no frequency). This sequence change replaces glycine, which is neutral and non-polar, with serine, which is neutral and polar, at codon 421 of the TCF3 protein (p.Gly421Ser).